The following is an entry in ClinVar:

ClinVar aggregate classification (germline): Likely benign. Review status: reviewed by expert panel (3 of 4 stars). 5 submissions from 5 submitters: Likely benign (1). 4 of the submissions do not count toward it. Last evaluated 2017-06-29.

Conditions:
Hereditary cancer-predisposing syndrome. Also called: Hereditary Cancer Syndrome; Neoplastic Syndromes, Hereditary; Tumor predisposition; Hereditary neoplastic syndrome. Identifiers: Orphanet 140162, MedGen C0027672, MeSH D009386, MONDO:0015356.
Breast-ovarian cancer, familial, susceptibility to, 2 (BROVCA2). Also called: BRCA2 Hereditary Breast and Ovarian Cancer. Identifiers: Orphanet 145, MedGen C2675520, MONDO:0012933, OMIM 612555. Disease mechanism: loss of function.
Hereditary breast ovarian cancer syndrome. Also called: Hereditary breast and/or ovarian cancer syndrome; BRCA1- and BRCA2-Associated Hereditary Breast and Ovarian Cancer; Hereditary breast and ovarian cancer syndrome (HBOC); Hereditary breast and ovarian cancer; Hereditary breast and ovarian cancer syndrome; Breast and ovarian cancer. Identifiers: Orphanet 145, MedGen C0677776, MeSH D061325, MONDO:0003582. Disease mechanism: loss of function.

Submissions (5):

Evidence-based Network for the Interpretation of Germline Mutant Alleles (ENIGMA)
Classification: Likely benign for Breast-ovarian cancer, familial, susceptibility to, 2. Last evaluated: 2017-06-29. Review status: reviewed by expert panel. Criteria: ENIGMA BRCA1/2 Classification Criteria (2017-06-29). Collection method: curation. Allele origin: germline.
Comment: Synonymous substitution variant, with low bioinformatic likelihood to result in a splicing aberration (Splicing prior probability 0.02).

Labcorp Genetics (formerly Invitae), Labcorp
Classification: Likely benign for Hereditary breast ovarian cancer syndrome. Last evaluated: 2023-05-20. Review status: criteria provided, single submitter. Criteria: Invitae Variant Classification Sherloc (09022015). Collection method: clinical testing. Allele origin: germline. Not counted in ClinVar's aggregate classification.

Quest Diagnostics Nichols Institute San Juan Capistrano
Classification: Likely benign. Last evaluated: 2018-10-08. Review status: criteria provided, single submitter. Criteria: Quest Diagnostics criteria. Collection method: clinical testing. Allele origin: germline. Not counted in ClinVar's aggregate classification.

Color Diagnostics, LLC DBA Color Health
Classification: Likely benign for Hereditary cancer-predisposing syndrome. Last evaluated: 2018-08-14. Review status: criteria provided, single submitter. Criteria: ACMG Guidelines, 2015. Collection method: clinical testing. Allele origin: germline. Not counted in ClinVar's aggregate classification.

Ambry Genetics
Classification: Likely benign for Hereditary cancer-predisposing syndrome. Last evaluated: 2015-06-25. Review status: criteria provided, single submitter. Criteria: Ambry Variant Classification Scheme 2023. Collection method: clinical testing. Allele origin: germline. Not counted in ClinVar's aggregate classification.

NM_000059.4(BRCA2):c.1416G>A (p.Gln472=)

Gene: BRCA2 (BRCA2 DNA repair associated; plus strand). Cytogenetic location: 13q13.1.
Variant type: single nucleotide variant.
Coding change: c.1416G>A on transcript NM_000059.4 (MANE Select); coding-DNA position 1416, G replaced by A.
Protein change: p.Gln472=; no amino-acid change (glutamine 472 retained).
Molecular consequence: synonymous variant.
Genome position (GRCh38, 1-based): chr13:32,332,894, G>A. VCF-style: chr13-32332894-G-A. GRCh37 (hg19) VCF-style: chr13-32907031-G-A.
Identifiers: ClinVar variation 232404 (VCV000232404.19), dbSNP rs876659746, ClinGen allele CA10579495.
Genomic context (GRCh38, chr13:32,332,894, plus strand): 5'-ACCAAAATCAGAGAAGCCATTAAATGAGGAAACAGTGGTAAATAAGAGAGATGAAGAGCA[G>A]CATCTTGAATCTCATACAGACTGCATTCTTGCAGTAAAGCAGGCAATATCTGGAACTTCT-3'
Protein context (NP_000050.3, residues 462-482): ETVVNKRDEE[Gln472=]HLESHTDCIL